The following is an entry in ClinVar:

ClinVar aggregate classification (germline): Uncertain significance (1 of 4 stars; one submission).

Submission:

GeneDx
Classification: Uncertain significance. Last evaluated: 2025-04-22. Review status: criteria provided, single submitter. Criteria: GeneDx Variant Classification Process June 2021. Collection method: clinical testing. Allele origin: germline. Affected: yes.
Comment: Not observed at significant frequency in large population cohorts (gnomAD); In silico analysis indicates that this missense variant does not alter protein structure/function; Has not been previously published as pathogenic or benign to our knowledge

NM_000069.3(CACNA1S):c.4749G>C (p.Glu1583Asp)

Gene: CACNA1S (calcium voltage-gated channel subunit alpha1 S; minus strand). Cytogenetic location: 1q32.1.
Variant type: single nucleotide variant.
Coding change: c.4749G>C on transcript NM_000069.3 (MANE Select); coding-DNA position 4749, G replaced by C.
Protein change: p.Glu1583Asp; replaces glutamic acid 1583 with aspartic acid.
Molecular consequence: missense variant.
Genome position (GRCh38, 1-based): chr1:201,044,376, C>G on the plus strand (G>C on the coding strand, the complement: CACNA1S is on the minus strand). VCF-style: chr1-201044376-C-G. GRCh37 (hg19) VCF-style: chr1-201013504-C-G.
Other names: short protein forms E1583D.
Identifiers: ClinVar variation 4527261 (VCV004527261.1).